The following is an entry in ClinVar:

NM_133497.4(KCNV2):c.653_661dup (p.Leu220_Arg221insHisGluLeu)

Gene: KCNV2 (potassium voltage-gated channel modifier subfamily V member 2; plus strand). Cytogenetic location: 9p24.2.
Variant type: Duplication.
Coding change: c.653_661dup on transcript NM_133497.4 (MANE Select); coding-DNA positions 653 to 661, 9 bases duplicated (ACGAGCTGC; older notation c.653_661dupACGAGCTGC).
Protein change: p.Leu220_Arg221insHisGluLeu.
Molecular consequence: inframe insertion.
Genome position (GRCh38, 1-based): chr9:2,718,392-2,718,400, ACGAGCTGC duplicated; duplicating any 9 consecutive bases within chr9:2,718,390-2,718,400 gives the same sequence; the c. name uses the placement nearest the transcript's 3' end. VCF-style (leftmost placement, unchanged base first): chr9-2718389-A-AGCACGAGCT. GRCh37 (hg19) VCF-style: chr9-2718389-A-AGCACGAGCT.
Identifiers: ClinVar variation 2100881 (VCV002100881.5), dbSNP rs1819783828, ClinGen allele CA1120577783.

ClinVar aggregate classification (germline): Uncertain significance. Review status: criteria provided, multiple submitters, no conflicts (2 of 4 stars). 2 submissions from 2 submitters: Uncertain significance (2). Last evaluated 2023-11-27.

Submissions (2):

Labcorp Genetics (formerly Invitae), Labcorp
Classification: Uncertain significance. Last evaluated: 2023-11-27. Review status: criteria provided, single submitter. Criteria: Invitae Variant Classification Sherloc (09022015). Collection method: clinical testing. Allele origin: germline.
Comment: This variant, c.653_661dup, results in the insertion of 3 amino acid(s) of the KCNV2 protein (p.His218_Leu220dup), but otherwise preserves the integrity of the reading frame. This variant is not present in population databases (gnomAD no frequency). This variant has not been reported in the literature in individuals affected with KCNV2-related conditions. ClinVar contains an entry for this variant (Variation ID: 2100881). In summary, the available evidence is currently insufficient to determine the role of this variant in disease. Therefore, it has been classified as a Variant of Uncertain Significance.

Blueprint Genetics
Classification: Uncertain significance. Last evaluated: 2023-05-15. Review status: criteria provided, single submitter. Criteria: ACMG Guidelines, 2015. Collection method: clinical testing. Allele origin: germline.